The following is an entry in ClinVar:

NM_000069.3(CACNA1S):c.629dup (p.Tyr210Ter)

Gene: CACNA1S (calcium voltage-gated channel subunit alpha1 S; minus strand). Cytogenetic location: 1q32.1.
Variant type: Duplication.
Coding change: c.629dup on transcript NM_000069.3 (MANE Select); coding-DNA position 629, one base duplicated (A; older notation c.629dupA).
Protein change: p.Tyr210Ter; replaces tyrosine 210 with a stop codon.
Molecular consequence: nonsense.
Genome position (GRCh38, 1-based): chr1:201,091,705, T duplicated on the plus strand (A on the coding strand, the reverse complement: CACNA1S is on the minus strand). VCF-style (leftmost placement, unchanged base first): chr1-201091704-A-AT. GRCh37 (hg19) VCF-style: chr1-201060832-A-AT.
Other names: short protein forms Y210*.
Identifiers: ClinVar variation 2930948 (VCV002930948.3), dbSNP rs2464623480, ClinGen allele CA2649754448.

ClinVar aggregate classification (germline): Pathogenic (1 of 4 stars; one submission).

Conditions:
Malignant hyperthermia, susceptibility to, 5 (MHS5). Also called: CACNA1S-Related Malignant Hyperthermia Susceptibility. Identifiers: Orphanet 423, MedGen C1866077, MONDO:0011163, OMIM 601887.
Hypokalemic periodic paralysis, type 1. Also called: Hypokalemic Periodic Paralysis Type 1 (AD); HypoPP. Identifiers: Orphanet 681, MedGen C3714580, MONDO:0042979, OMIM 170400.

Submission:

Labcorp Genetics (formerly Invitae), Labcorp
Classification: Pathogenic for Hypokalemic periodic paralysis, type 1; Malignant hyperthermia, susceptibility to, 5. Last evaluated: 2024-02-14. Review status: criteria provided, single submitter. Criteria: Invitae Variant Classification Sherloc (09022015). Collection method: clinical testing. Allele origin: germline.
Comment: This sequence change creates a premature translational stop signal (p.Tyr210*) in the CACNA1S gene. It is expected to result in an absent or disrupted protein product. Loss-of-function variants in CACNA1S are known to be pathogenic (PMID: 26247046, 28012042). This variant is not present in population databases (gnomAD no frequency). This variant has not been reported in the literature in individuals affected with CACNA1S-related conditions. For these reasons, this variant has been classified as Pathogenic.

Literature cited by the submitters: PubMed 26247046; PubMed 28012042.